The following is an entry in ClinVar:

ClinVar aggregate classification (germline): Uncertain significance (1 of 4 stars; one submission).

Conditions:
Cardiovascular phenotype. Identifiers: MedGen CN230736.

Submission:

Ambry Genetics
Classification: Uncertain significance for Cardiovascular phenotype. Last evaluated: 2026-07-13. Review status: criteria provided, single submitter. Criteria: Ambry Variant Classification Scheme 2023. Collection method: clinical testing. Allele origin: germline.
Comment: The p.P603L variant (also known as c.1808C>T), located in coding exon 11 of the CBL gene, results from a C to T substitution at nucleotide position 1808. The proline at codon 603 is replaced by leucine, an amino acid with similar properties. This amino acid position is conserved. In addition, this alteration is predicted to be tolerated by in silico analysis. Based on the available evidence, the clinical significance of this variant remains unclear.

NM_005188.4(CBL):c.1808C>T (p.Pro603Leu)

Gene: CBL (Cbl proto-oncogene; plus strand). Cytogenetic location: 11q23.3.
Variant type: single nucleotide variant.
Coding change: c.1808C>T on transcript NM_005188.4 (MANE Select); coding-DNA position 1808, C replaced by T.
Protein change: p.Pro603Leu; replaces proline 603 with leucine.
Molecular consequence: missense variant.
Genome position (GRCh38, 1-based): chr11:119,285,433, C>T. VCF-style: chr11-119285433-C-T. GRCh37 (hg19) VCF-style: chr11-119156143-C-T.
Other names: short protein forms P603L.
Identifiers: ClinVar variation 5033741 (VCV005033741.1).
Genomic context (GRCh38, chr11:119,285,433, plus strand): 5'-CTAGCCGCCTTGGAGACTCATGGCTGCCCCGGCCAATCCCCAAAGTACCAGTATCTGCCC[C>T]AAGTTCCAGTGATCCCTGGACAGGAAGAGAATTAACCAACCGGCACTCACTTCCATTTTC-3'
Protein context (NP_005179.2, residues 593-613): RPIPKVPVSA[Pro603Leu]SSSDPWTGRE